The following is an entry in ClinVar:

ClinVar aggregate classification (germline): Uncertain significance. Review status: criteria provided, single submitter (1 of 4 stars). 2 submissions from 2 submitters: Uncertain significance (1). 1 of the submissions does not count toward it. Last evaluated 2023-05-24.

Conditions:
MME-related disorder. Also called: MME-related condition.

gnomAD v4.1: 6 of 1,613,646 alleles (0.00037%); highest among the groups gnomAD compares: African/African-American, 0.0013%; no homozygotes.

Submissions (2):

GeneDx
Classification: Uncertain significance. Last evaluated: 2023-05-24. Review status: criteria provided, single submitter. Criteria: GeneDx Variant Classification Process June 2021. Collection method: clinical testing. Allele origin: germline. Affected: yes.
Comment: Not observed at significant frequency in large population cohorts (gnomAD); In silico analysis supports that this missense variant has a deleterious effect on protein structure/function; Has not been previously published as pathogenic or benign to our knowledge

PreventionGenetics, part of Exact Sciences
Classification: Uncertain significance for MME-related condition. Last evaluated: 2024-07-18. Review status: no assertion criteria provided. Collection method: clinical testing. Allele origin: germline. Not counted in ClinVar's aggregate classification.
Comment: The MME c.1148T>G variant is predicted to result in the amino acid substitution p.Leu383Arg. To our knowledge, this variant has not been reported in the literature. This variant is reported in 0.0018% of alleles in individuals of European (Non-Finnish) descent in gnomAD. At this time, the clinical significance of this variant is uncertain due to the absence of conclusive functional and genetic evidence.

NM_007289.4(MME):c.1148T>G (p.Leu383Arg)

Gene: MME (membrane metalloendopeptidase; plus strand). Cytogenetic location: 3q25.2.
Variant type: single nucleotide variant.
Coding change: c.1148T>G on transcript NM_007289.4 (MANE Select); coding-DNA position 1148, T replaced by G.
Protein change: p.Leu383Arg; replaces leucine 383 with arginine.
Molecular consequence: missense variant.
Genome position (GRCh38, 1-based): chr3:155,142,290, T>G. VCF-style: chr3-155142290-T-G. GRCh37 (hg19) VCF-style: chr3-154860079-T-G.
Other names: c.1148T>G, p.Leu383Arg (NM_000902.5, NM_001354642.2, NM_001354643.1 and 2 more transcripts); short protein forms L383R.
Identifiers: ClinVar variation 3353283 (VCV003353283.2).
Genomic context (GRCh38, chr3:155,142,290, plus strand): 5'-TATACAGAGATCTTCAAAATTTAATGTCCTGGAGATTCATAATGGATCTTGTAAGCAGCC[T>G]CAGCCGAACCTACAAGGAGTCCAGAAATGCTTTCCGCAAGGTGAAGAAAAAATCTCTCTT-3'
Protein context (NP_009220.2, residues 373-393): WRFIMDLVSS[Leu383Arg]SRTYKESRNA